The following is an entry in ClinVar:

NM_012203.2(GRHPR):c.288-1G>C

Gene: GRHPR (glyoxylate and hydroxypyruvate reductase; plus strand). Cytogenetic location: 9p13.2.
Variant type: single nucleotide variant.
Coding change: c.288-1G>C on transcript NM_012203.2 (MANE Select); the canonical splice acceptor site of the intron before coding-DNA position 288, G replaced by C.
Molecular consequence: splice acceptor variant.
Genome position (GRCh38, 1-based): chr9:37,426,537, G>C. VCF-style: chr9-37426537-G-C. GRCh37 (hg19) VCF-style: chr9-37426534-G-C.
Identifiers: ClinVar variation 2664429 (VCV002664429.1), dbSNP rs1244240617, ClinGen allele CA373442405.
Genomic context (GRCh38, chr9:37,426,537, plus strand): 5'-AGCAGTAGACATTGGTAAATATGGTTGAGGCTGATGTTACCACCAGATGTCTGATTCGTA[G>C]TGGGATCCGAGTTGGCTACACCCCAGATGTCCTGACAGATACCACCGCCGAACTCGCAGT-3'

ClinVar aggregate classification (germline): Likely pathogenic (1 of 4 stars; one submission).

Conditions:
Primary hyperoxaluria, type II (HP2). Also called: OXALOSIS II; Primary hyperoxaluria type 2; D-GLYCERATE DEHYDROGENASE DEFICIENCY; GLYCERIC ACIDURIA; GLYOXYLATE REDUCTASE/HYDROXYPYRUVATE REDUCTASE DEFICIENCY. Identifiers: Orphanet 416, Orphanet 93599, MedGen C0268165, MONDO:0009824, OMIM 260000. Disease mechanism: loss of function.

Allele frequency attached by ClinVar (database versions not stated): gnomAD exomes below 0.00001.
gnomAD v4.1: 1 of 1,589,476 alleles (0.000063%); highest among the groups gnomAD compares: South Asian, 0.0011%; no homozygotes.

Submission:

Clinical Biochemistry Laboratory, Health Services Laboratory
Classification: Likely pathogenic for Primary hyperoxaluria, type II. Last evaluated: 2023-10-27. Review status: criteria provided, single submitter. Criteria: ACMG Guidelines, 2015. Collection method: curation. Allele origin: germline.
Comment: ACMG: PVS1 PM2